The following is an entry in ClinVar:

NM_001123385.2(BCOR):c.3016del (p.Asp1006fs)

Gene: BCOR (BCL6 corepressor; minus strand). Cytogenetic location: Xp11.4.
Variant type: Deletion.
Coding change: c.3016del on transcript NM_001123385.2 (MANE Select); coding-DNA position 3016, one base deleted (G; older notation c.3016delG).
Protein change: p.Asp1006fs; shifts the reading frame from aspartic acid 1006.
Molecular consequence: frameshift variant. On other transcripts: intron variant (2).
Genome position (GRCh38, 1-based): chrX:40,071,672, C deleted on the plus strand (G on the coding strand, the reverse complement: BCOR is on the minus strand); the first of 2 consecutive C bases (chrX:40,071,672-40,071,673); deleting either gives the same sequence. VCF-style (leftmost placement, unchanged base first): chrX-40071671-TC-T. GRCh37 (hg19) VCF-style: chrX-39930924-TC-T.
Other names: c.3016del, p.Asp1006fs (NM_001123383.2, NM_001437510.1, NM_001437511.1 and 2 more transcripts); c.2998-513del (NM_001123384.2, NM_001438207.1); short protein forms D1006fs.
Identifiers: ClinVar variation 4846965 (VCV004846965.1).

ClinVar aggregate classification (germline): Likely pathogenic (1 of 4 stars; one submission).

Conditions:
Oculofaciocardiodental syndrome (MCOPS2). Identifiers: Orphanet 2712, MedGen C1846265, MONDO:0010261, OMIM 300166.

Submission:

Laboratorio de Genetica e Diagnostico Molecular, Hospital Israelita Albert Einstein
Classification: Likely pathogenic for Oculofaciocardiodental syndrome. Last evaluated: 2025-09-05. Review status: criteria provided, single submitter. Criteria: ACMG Guidelines, 2015. Collection method: clinical testing. Allele origin: germline. Affected: yes.
Comment: ACMG classification criteria: PVS1 very strong, PM2 supporting